The following is an entry in ClinVar:

ClinVar aggregate classification (germline): Conflicting classifications of pathogenicity. Review status: criteria provided, conflicting classifications (1 of 4 stars). 2 submissions from 2 submitters: Uncertain significance (1); Likely benign (1). Last evaluated 2025-09-28.

Conditions:
Hereditary cancer-predisposing syndrome. Also called: Neoplastic Syndromes, Hereditary; Tumor predisposition; Hereditary Cancer Syndrome; Hereditary neoplastic syndrome. Identifiers: Orphanet 140162, MedGen C0027672, MeSH D009386, MONDO:0015356.
EGFR-related lung cancer (EGFR). Identifiers: MedGen CN130014.

Allele frequency attached by ClinVar (database versions not stated): TOPMed below 0.00001; gnomAD 0.00001.
gnomAD v4.1: 2 of 1,612,494 alleles (0.00012%); highest among the groups gnomAD compares: African/African-American, 0.0013%; no homozygotes.

Submissions (2):

Labcorp Genetics (formerly Invitae), Labcorp
Classification: Uncertain significance for EGFR-related lung cancer. Last evaluated: 2025-09-28. Review status: criteria provided, single submitter. Criteria: Invitae Variant Classification Sherloc (09022015). Collection method: clinical testing. Allele origin: germline.
Comment: This sequence change replaces alanine, which is neutral and non-polar, with threonine, which is neutral and polar, at codon 1102 of the EGFR protein (p.Ala1102Thr). This variant is not present in population databases (gnomAD no frequency). This variant has not been reported in the literature in individuals affected with EGFR-related conditions. ClinVar contains an entry for this variant (Variation ID: 1025199). An algorithm developed to predict the effect of missense changes on protein structure and function (PolyPhen-2) suggests that this variant is likely to be tolerated. In summary, the available evidence is currently insufficient to determine the role of this variant in disease. Therefore, it has been classified as a Variant of Uncertain Significance.

Ambry Genetics
Classification: Likely benign for Hereditary cancer-predisposing syndrome. Last evaluated: 2025-01-13. Review status: criteria provided, single submitter. Criteria: Ambry Variant Classification Scheme 2023. Collection method: clinical testing. Allele origin: germline.

NM_005228.5(EGFR):c.3304G>A (p.Ala1102Thr)

Gene: EGFR (epidermal growth factor receptor; plus strand). Cytogenetic location: 7p11.2.
Variant type: single nucleotide variant.
Coding change: c.3304G>A on transcript NM_005228.5 (MANE Select); coding-DNA position 3304, G replaced by A.
Protein change: p.Ala1102Thr; replaces alanine 1102 with threonine.
Molecular consequence: missense variant.
Genome position (GRCh38, 1-based): chr7:55,205,288, G>A. VCF-style: chr7-55205288-G-A. GRCh37 (hg19) VCF-style: chr7-55272981-G-A.
Other names: c.3304G>A (NM_005228.3); c.3169G>A, p.Ala1057Thr (NM_001346899.2); c.3145G>A, p.Ala1049Thr (NM_001346900.2); c.2503G>A, p.Ala835Thr (NM_001346941.2); short protein forms A1049T, A1057T, A1102T, A835T.
Identifiers: ClinVar variation 1025199 (VCV001025199.10), dbSNP rs1268506326, ClinGen allele CA367584327.
Genomic context (GRCh38, chr7:55,205,288, plus strand): 5'-TTCACCTCTGATTTCTTTCCACTTTCAGAATACATAAACCAGTCCGTTCCCAAAAGGCCC[G>A]CTGGCTCTGTGCAGAATCCTGTCTATCACAATCAGCCTCTGAACCCCGCGCCCAGCAGAG-3'
Protein context (NP_005219.2, residues 1092-1112): YINQSVPKRP[Ala1102Thr]GSVQNPVYHN